The following is an entry in ClinVar:

NM_001040142.2(SCN2A):c.2389G>A (p.Val797Ile)

Gene: SCN2A (sodium voltage-gated channel alpha subunit 2; plus strand). Cytogenetic location: 2q24.3.
Variant type: single nucleotide variant.
Coding change: c.2389G>A on transcript NM_001040142.2 (MANE Select); coding-DNA position 2389, G replaced by A.
Protein change: p.Val797Ile; replaces valine 797 with isoleucine.
Molecular consequence: missense variant.
Genome position (GRCh38, 1-based): chr2:165,342,296, G>A. VCF-style: chr2-165342296-G-A. GRCh37 (hg19) VCF-style: chr2-166198806-G-A.
Other names: p.V797I:GTC>ATC; c.2389G>A, p.Val797Ile (NM_001040143.2, NM_001371246.1, NM_001371247.1 and 1 more transcripts); short protein forms V797I.
Identifiers: ClinVar variation 206965 (VCV000206965.18), dbSNP rs142128956, ClinGen allele CA317867.

ClinVar aggregate classification (germline): Conflicting classifications of pathogenicity. Review status: criteria provided, conflicting classifications (1 of 4 stars). 6 submissions from 6 submitters: Uncertain significance (4); Likely benign (2). Last evaluated 2026-06-12.

Conditions:
SCN2A-related nonspecific severe intellectual disability.
Inborn genetic diseases. Identifiers: MedGen C0950123, MeSH D030342.
Seizures, benign familial infantile, 3 (BFIS3). Also called: CONVULSIONS, BENIGN FAMILIAL INFANTILE, 3; Familial neonatal seizures. Identifiers: Orphanet 140927, Orphanet 306, MedGen C1843140, MONDO:0011904, OMIM 607745.
Developmental and epileptic encephalopathy, 11 (DEE11). Also called: Early infantile epileptic encephalopathy 11. Identifiers: Orphanet 1934, MedGen C3150987, MONDO:0013388, OMIM 613721.

Allele frequency attached by ClinVar (database versions not stated): ExAC 0.00005; gnomAD 0.00015 and 0.00016; gnomAD exomes 0.00002 and 0.00004; TOPMed 0.00023; ESP Exome Variant Server 0.00023.
gnomAD v4.1: 46 of 1,613,082 alleles (0.0029%); highest among the groups gnomAD compares: African/African-American, 0.055%; no homozygotes.

Submissions (6):

Women's Health and Genetics/Laboratory Corporation of America, LabCorp
Classification: Uncertain significance. Last evaluated: 2026-06-12. Review status: criteria provided, single submitter. Criteria: LabCorp Variant Classification Summary - May 2015. Collection method: clinical testing. Allele origin: germline.
Comment: Variant summary: SCN2A c.2389G>A (p.Val797Ile) results in a conservative amino acid change in the encoded protein sequence. Algorithms developed to predict the effect of missense changes on protein structure and function are either unavailable or do not agree on the potential impact of this missense change. Several computational tools predict a significant impact on normal splicing: Three predict the variant weakens a 3' acceptor site. However, these predictions have yet to be confirmed by functional studies. The variant allele was found at a frequency of 3.6e-05 in 251270 control chromosomes. The available data on variant occurrences in the general population are insufficient to allow any conclusion about variant significance. To our knowledge, no occurrence of c.2389G>A in individuals affected with SCN2A-related conditions and no experimental evidence demonstrating its impact on protein function have been reported. ClinVar contains an entry for this variant (Variation ID: 206965). Based on the evidence outlined above, the variant was classified as uncertain significance.

Dasa
Classification: Uncertain significance for SCN2A-related nonspecific severe intellectual disability. Last evaluated: 2026-02-16. Review status: criteria provided, single submitter. Criteria: DASA Assertion Criteria. Collection method: clinical testing. Allele origin: germline.
Comment: NM_001040142.2(SCN2A):c.2389G>A (p.Val797Ile) is a missense variant that results in the substitution of valine with isoleucine. This classification is supported by population frequency inconsistent with a disease-causing role. The currently available literature and clinical evidence are not sufficient to establish a definitive association between this variant and the reported condition. Therefore, this variant is classified as a variant of uncertain significance.

Labcorp Genetics (formerly Invitae), Labcorp
Classification: Uncertain significance for Seizures, benign familial infantile, 3; Developmental and epileptic encephalopathy, 11. Last evaluated: 2026-01-28. Review status: criteria provided, single submitter. Criteria: Invitae Variant Classification Sherloc (09022015). Collection method: clinical testing. Allele origin: germline.
Comment: This sequence change replaces valine, which is neutral and non-polar, with isoleucine, which is neutral and non-polar, at codon 797 of the SCN2A protein (p.Val797Ile). This variant is present in population databases (rs142128956, gnomAD 0.06%), and has an allele count higher than expected for a pathogenic variant. This variant has not been reported in the literature in individuals affected with SCN2A-related conditions. ClinVar contains an entry for this variant (Variation ID: 206965). An algorithm developed to predict the effect of missense changes on protein structure and function (PolyPhen-2) suggests that this variant is likely to be disruptive. In summary, the available evidence is currently insufficient to determine the role of this variant in disease. Therefore, it has been classified as a Variant of Uncertain Significance.

Ambry Genetics
Classification: Likely benign for Inborn genetic diseases. Last evaluated: 2019-06-06. Review status: criteria provided, single submitter. Criteria: Ambry Variant Classification Scheme 2023. Collection method: clinical testing. Allele origin: germline.

GeneDx
Classification: Likely benign. Last evaluated: 2018-03-09. Review status: criteria provided, single submitter. Criteria: GeneDx Variant Classification (06012015). Collection method: clinical testing. Allele origin: germline. Affected: yes.
Comment: This variant is considered likely benign or benign based on one or more of the following criteria: it is a conservative change, it occurs at a poorly conserved position in the protein, it is predicted to be benign by multiple in silico algorithms, and/or has population frequency not consistent with disease.

Genetic Services Laboratory, University of Chicago
Classification: Uncertain significance. Last evaluated: 2015-10-20. Review status: criteria provided, single submitter. Criteria: ACMG Guidelines, 2015. Collection method: clinical testing. Allele origin: germline. Affected: no.